The following is an entry in ClinVar:

ClinVar aggregate classification (germline): Benign/Likely benign. Review status: criteria provided, multiple submitters, no conflicts (2 of 4 stars). 4 submissions from 4 submitters: Benign (3); Likely benign (1). Last evaluated 2026-01-20.

Conditions:
Desmosterolosis. Identifiers: Orphanet 35107, MedGen C1865596, MONDO:0011217, OMIM 602398.

Allele frequency attached by ClinVar (database versions not stated): gnomAD exomes 0.00075 and 0.00188; ExAC 0.00213; 1000 Genomes Project 30x 0.00718; 1000 Genomes Project 0.00719; ESP Exome Variant Server 0.00723; gnomAD 0.00733 and 0.00798; TOPMed 0.00872.
gnomAD v4.1: 2,306 of 1,614,212 alleles (0.14%); highest among the groups gnomAD compares: African/African-American, 2.4%; 28 homozygotes.

Submissions (4):

Labcorp Genetics (formerly Invitae), Labcorp
Classification: Benign. Last evaluated: 2026-01-20. Review status: criteria provided, single submitter. Criteria: Invitae Variant Classification Sherloc (09022015). Collection method: clinical testing. Allele origin: germline.

Fulgent Genetics
Classification: Likely benign for Desmosterolosis. Last evaluated: 2022-04-08. Review status: criteria provided, single submitter. Criteria: ACMG Guidelines, 2015. Collection method: clinical testing. Allele origin: unknown.

Illumina Laboratory Services, Illumina
Classification: Benign for Desmosterolosis. Last evaluated: 2018-01-13. Review status: criteria provided, single submitter. Criteria: ICSL Variant Classification Criteria 13 December 2019. Collection method: clinical testing. Allele origin: germline.
Comment: This variant was observed in the ICSL laboratory as part of a predisposition screen in an ostensibly healthy population. It had not been previously curated by ICSL or reported in the Human Gene Mutation Database (HGMD: prior to June 1st, 2018), and was therefore a candidate for classification through an automated scoring system. Utilizing variant allele frequency, disease prevalence and penetrance estimates, and inheritance mode, an automated score was calculated to assess if this variant is too frequent to cause the disease. Based on the score and internal cut-off values, a variant classified as benign is not then subjected to further curation. The score for this variant resulted in a classification of benign for this disease.

Breakthrough Genomics
Classification: Benign. Review status: criteria provided, single submitter. Criteria: ACMG Guidelines, 2015. Collection method: not provided. Allele origin: germline. Inheritance: Autosomal recessive inheritance. Affected: yes.

NM_014762.4(DHCR24):c.360C>T (p.Asp120=)

Gene: DHCR24 (24-dehydrocholesterol reductase; minus strand). Cytogenetic location: 1p32.3.
Variant type: single nucleotide variant.
Coding change: c.360C>T on transcript NM_014762.4 (MANE Select); coding-DNA position 360, C replaced by T.
Protein change: p.Asp120=; no amino-acid change (aspartic acid 120 retained).
Molecular consequence: synonymous variant.
Genome position (GRCh38, 1-based): chr1:54,883,645, G>A on the plus strand (C>T on the coding strand, the complement: DHCR24 is on the minus strand). VCF-style: chr1-54883645-G-A. GRCh37 (hg19) VCF-style: chr1-55349318-G-A.
Identifiers: ClinVar variation 297663 (VCV000297663.16), dbSNP rs61733134, ClinGen allele CA870861.